The following is an entry in ClinVar:

ClinVar aggregate classification (germline): Uncertain significance (1 of 4 stars; one submission).

Submission:

CeGaT Center for Human Genetics Tuebingen
Classification: Uncertain significance. Last evaluated: 2024-08-01. Review status: criteria provided, single submitter. Criteria: CeGaT Center For Human Genetics Tuebingen Variant Classification Criteria Version 2. Collection method: clinical testing. Allele origin: germline. Affected: yes. Observed: 1 variant allele.
Comment: CAMTA1: PM2, BP4

NM_015215.4(CAMTA1):c.1955C>G (p.Ser652Trp)

Gene: CAMTA1 (calmodulin binding transcription activator 1; plus strand). Cytogenetic location: 1p36.23.
Variant type: single nucleotide variant.
Coding change: c.1955C>G on transcript NM_015215.4 (MANE Select); coding-DNA position 1955, C replaced by G.
Protein change: p.Ser652Trp; replaces serine 652 with tryptophan.
Molecular consequence: missense variant.
Genome position (GRCh38, 1-based): chr1:7,664,502, C>G. VCF-style: chr1-7664502-C-G. GRCh37 (hg19) VCF-style: chr1-7724562-C-G.
Other names: c.1865C>G, p.Ser622Trp (NM_001349608.2, NM_001349612.2); c.1955C>G, p.Ser652Trp (NM_001349609.2, NM_001349610.2, NM_001410737.1); c.1883C>G, p.Ser628Trp (NM_001410738.1); short protein forms S622W, S628W, S652W.
Identifiers: ClinVar variation 3342108 (VCV003342108.16).